The following is an entry in ClinVar:

ClinVar aggregate classification (germline): Uncertain significance. Review status: criteria provided, multiple submitters, no conflicts (2 of 4 stars). 2 submissions from 2 submitters: Uncertain significance (2). Last evaluated 2023-10-13.

Conditions:
Inborn genetic diseases. Identifiers: MedGen C0950123, MeSH D030342.
Heterotaxy, visceral, 1, X-linked (HTX1). Also called: SITUS INVERSUS, COMPLEX CARDIAC DEFECTS, AND SPLENIC DEFECTS, X-LINKED; Laterality, X-linked; Visceral heterotaxia; DEXTROCARDIA WITH OTHER CARDIAC MALFORMATIONS. Identifiers: Orphanet 450, MedGen C1844020, MONDO:0010607, OMIM 306955.

Allele frequency attached by ClinVar (database versions not stated): gnomAD exomes 0.00001 and 0.00002; gnomAD 0.00019 and 0.00021; TOPMed 0.00020.
gnomAD v4.1: 33 of 1,178,709 alleles (0.0028%); highest among the groups gnomAD compares: African/African-American, 0.046%; no homozygotes.

Submissions (2):

Ambry Genetics
Classification: Uncertain significance for Inborn genetic diseases. Last evaluated: 2023-10-13. Review status: criteria provided, single submitter. Criteria: Ambry Variant Classification Scheme 2023. Collection method: clinical testing. Allele origin: germline.

Labcorp Genetics (formerly Invitae), Labcorp
Classification: Uncertain significance for Heterotaxy, visceral, 1, X-linked. Last evaluated: 2021-08-06. Review status: criteria provided, single submitter. Criteria: Invitae Variant Classification Sherloc (09022015). Collection method: clinical testing. Allele origin: germline.
Comment: Algorithms developed to predict the effect of missense changes on protein structure and function are either unavailable or do not agree on the potential impact of this missense change (SIFT: "Deleterious"; PolyPhen-2: "Benign"; Align-GVGD: "Class C0"). In summary, the available evidence is currently insufficient to determine the role of this variant in disease. Therefore, it has been classified as a Variant of Uncertain Significance. This variant has not been reported in the literature in individuals affected with ZIC3-related conditions. The frequency data for this variant in the population databases is considered unreliable, as metrics indicate poor data quality at this position in the ExAC database. This sequence change replaces alanine with serine at codon 33 of the ZIC3 protein (p.Ala33Ser). The alanine residue is highly conserved and there is a moderate physicochemical difference between alanine and serine.

NM_003413.4(ZIC3):c.97G>T (p.Ala33Ser)

Gene: ZIC3 (Zic family zinc finger 3; plus strand). Cytogenetic location: Xq26.3.
Variant type: single nucleotide variant.
Coding change: c.97G>T on transcript NM_003413.4 (MANE Select); coding-DNA position 97, G replaced by T.
Protein change: p.Ala33Ser; replaces alanine 33 with serine.
Molecular consequence: missense variant.
Genome position (GRCh38, 1-based): chrX:137,566,788, G>T. VCF-style: chrX-137566788-G-T. GRCh37 (hg19) VCF-style: chrX-136648947-G-T.
Other names: c.97G>T, p.Ala33Ser (NM_001330661.1); c.97G>T (NM_003413.3); short protein forms A33S.
Identifiers: ClinVar variation 1495403 (VCV001495403.7), dbSNP rs746833203, ClinGen allele CA10529261.